The following is an entry in ClinVar:

NM_153700.2(STRC):c.333G>T (p.Gly111=)

Gene: STRC (stereocilin; minus strand). Cytogenetic location: 15q15.3.
Variant type: single nucleotide variant.
Coding change: c.333G>T on transcript NM_153700.2 (MANE Select); coding-DNA position 333, G replaced by T.
Protein change: p.Gly111=; no amino-acid change (glycine 111 retained).
Molecular consequence: synonymous variant.
Genome position (GRCh38, 1-based): chr15:43,618,088, C>A on the plus strand (G>T on the coding strand, the complement: STRC is on the minus strand). VCF-style: chr15-43618088-C-A. GRCh37 (hg19) VCF-style: chr15-43910286-C-A.
Identifiers: ClinVar variation 165325 (VCV000165325.7), dbSNP rs727503453, ClinGen allele CA178072.

ClinVar aggregate classification (germline): Benign/Likely benign. Review status: criteria provided, multiple submitters, no conflicts (2 of 4 stars). 3 submissions from 3 submitters: Benign (2); Likely benign (1). Last evaluated 2024-09-26.

Allele frequency attached by ClinVar (database versions not stated): gnomAD exomes 0.00244; ExAC 0.00411; gnomAD 0.01154; 1000 Genomes Project 30x 0.01390.

Submissions (3):

Blueprint Genetics
Classification: Likely benign. Last evaluated: 2024-09-26. Review status: criteria provided, single submitter. Criteria: ACMG Guidelines, 2015. Collection method: clinical testing. Allele origin: germline.

Laboratory for Molecular Medicine, Mass General Brigham Personalized Medicine
Classification: Benign. Last evaluated: 2013-06-26. Review status: criteria provided, single submitter. Criteria: LMM Criteria. Collection method: clinical testing. Allele origin: germline. Observed: 8 variant alleles.
Comment: Gly111Gly in Exon 02 of STRC: This variant is not expected to have clinical sign ificance because it does not alter an amino acid residue, is not located within the splice consensus sequence, and has been identified in 3.9% (16/408) of chrom osomes from African populations by the 1000Genomes project (as reported in the D eafness Variation Database).

Breakthrough Genomics
Classification: Benign. Review status: criteria provided, single submitter. Criteria: ACMG Guidelines, 2015. Collection method: not provided. Allele origin: germline. Inheritance: Autosomal recessive inheritance. Affected: yes.